The following is an entry in ClinVar:

ClinVar aggregate classification (germline): Uncertain significance. Review status: criteria provided, multiple submitters, no conflicts (2 of 4 stars). 3 submissions from 3 submitters: Uncertain significance (3). Last evaluated 2024-09-04.

Conditions:
Occipital pachygyria and polymicrogyria. Identifiers: Orphanet 280640, MedGen C3279875, MONDO:0013583, OMIM 614115.
Inborn genetic diseases. Identifiers: MedGen C0950123, MeSH D030342.

Allele frequency attached by ClinVar (database versions not stated): ExAC 0.00001; gnomAD exomes 0.00004 and 0.00024; ESP Exome Variant Server 0.00008; gnomAD 0.00011; TOPMed 0.00012.
gnomAD v4.1: 380 of 1,613,148 alleles (0.024%); highest among the groups gnomAD compares: Non-Finnish European, 0.029%; no homozygotes.

Submissions (3):

Ambry Genetics
Classification: Uncertain significance for Inborn genetic diseases. Last evaluated: 2024-09-04. Review status: criteria provided, single submitter. Criteria: Ambry Variant Classification Scheme 2023. Collection method: clinical testing. Allele origin: germline.

Labcorp Genetics (formerly Invitae), Labcorp
Classification: Uncertain significance. Last evaluated: 2022-08-23. Review status: criteria provided, single submitter. Criteria: Invitae Variant Classification Sherloc (09022015). Collection method: clinical testing. Allele origin: germline.
Comment: This sequence change replaces alanine, which is neutral and non-polar, with threonine, which is neutral and polar, at codon 1163 of the LAMC3 protein (p.Ala1163Thr). This variant is present in population databases (rs374675268, gnomAD 0.009%). This variant has not been reported in the literature in individuals affected with LAMC3-related conditions. ClinVar contains an entry for this variant (Variation ID: 1359393). Algorithms developed to predict the effect of missense changes on protein structure and function output the following: SIFT: "Tolerated"; PolyPhen-2: "Benign"; Align-GVGD: "Class C0". The threonine amino acid residue is found in multiple mammalian species, which suggests that this missense change does not adversely affect protein function. In summary, the available evidence is currently insufficient to determine the role of this variant in disease. Therefore, it has been classified as a Variant of Uncertain Significance.

Fulgent Genetics
Classification: Uncertain significance for Occipital pachygyria and polymicrogyria. Last evaluated: 2021-08-05. Review status: criteria provided, single submitter. Criteria: ACMG Guidelines, 2015. Collection method: clinical testing. Allele origin: unknown.

NM_006059.4(LAMC3):c.3487G>A (p.Ala1163Thr)

Gene: LAMC3 (laminin subunit gamma 3; plus strand). Cytogenetic location: 9q34.12.
Variant type: single nucleotide variant.
Coding change: c.3487G>A on transcript NM_006059.4 (MANE Select); coding-DNA position 3487, G replaced by A.
Protein change: p.Ala1163Thr; replaces alanine 1163 with threonine.
Molecular consequence: missense variant.
Genome position (GRCh38, 1-based): chr9:131,073,314, G>A. VCF-style: chr9-131073314-G-A. GRCh37 (hg19) VCF-style: chr9-133948701-G-A.
Other names: c.3487G>A (NM_006059.3); short protein forms A1163T.
Identifiers: ClinVar variation 1359393 (VCV001359393.5), dbSNP rs374675268, ClinGen allele CA5287805.
Genomic context (GRCh38, chr9:131,073,314, plus strand): 5'-CAGGAAGGTCCCAGTCAGCCGACCAAATGGAGCCACCTGGCCACAGAGGCCCGTGCCCTC[G>A]CCAGGAGGTGAGTCCCAAGACATGGTGAGCTTACACCTGGCCCTTCTCCTGGGGGTTCCA-3'
Protein context (NP_006050.3, residues 1153-1173): SHLATEARAL[Ala1163Thr]RSHRDTATKI